The following is an entry in ClinVar:

ClinVar aggregate classification (germline): Likely benign (1 of 4 stars; one submission).

Allele frequency attached by ClinVar (database versions not stated): 1000 Genomes Project 30x 0.00390; 1000 Genomes Project 0.00399; gnomAD 0.00458 and 0.00494; TOPMed 0.00515.
gnomAD v4.1: 687 of 152,306 alleles (0.45%); highest among the groups gnomAD compares: African/African-American, 1.6%; 6 homozygotes.

Submission:

GeneDx
Classification: Likely benign. Last evaluated: 2018-06-14. Review status: criteria provided, single submitter. Criteria: GeneDx Variant Classification (06012015). Collection method: clinical testing. Allele origin: germline. Affected: yes.
Comment: This variant is considered likely benign or benign based on one or more of the following criteria: it is a conservative change, it occurs at a poorly conserved position in the protein, it is predicted to be benign by multiple in silico algorithms, and/or has population frequency not consistent with disease.

NM_001042492.3(NF1):c.5269-265T>C

Gene: NF1 (neurofibromin 1; plus strand). Cytogenetic location: 17q11.2.
Variant type: single nucleotide variant.
Coding change: c.5269-265T>C on transcript NM_001042492.3 (MANE Select); 265 bases into the intron before coding-DNA position 5269, T replaced by C.
Molecular consequence: intron variant.
Genome position (GRCh38, 1-based): chr17:31,327,234, T>C. VCF-style: chr17-31327234-T-C. GRCh37 (hg19) VCF-style: chr17-29654252-T-C.
Other names: c.5206-265T>C (NM_000267.4).
Identifiers: ClinVar variation 561913 (VCV000561913.1), dbSNP rs143925431, ClinGen allele CA289378273.